The following is an entry in ClinVar:

NM_199355.4(ADAMTS18):c.1708A>G (p.Met570Val)

Gene: ADAMTS18 (ADAM metallopeptidase with thrombospondin type 1 motif 18; minus strand). Cytogenetic location: 16q23.1.
Variant type: single nucleotide variant.
Coding change: c.1708A>G on transcript NM_199355.4 (MANE Select); coding-DNA position 1708, A replaced by G.
Protein change: p.Met570Val; replaces methionine 570 with valine.
Molecular consequence: missense variant.
Genome position (GRCh38, 1-based): chr16:77,341,706, T>C on the plus strand (A>G on the coding strand, the complement: ADAMTS18 is on the minus strand). VCF-style: chr16-77341706-T-C. GRCh37 (hg19) VCF-style: chr16-77375603-T-C.
Other names: c.1192A>G, p.Met398Val (NM_001326358.2); short protein forms M398V, M570V.
Identifiers: ClinVar variation 1958281 (VCV001958281.5), dbSNP rs1344851696, ClinGen allele CA396833064.

ClinVar aggregate classification (germline): Uncertain significance (1 of 4 stars; one submission).

gnomAD v4.1: 2 of 1,612,916 alleles (0.00012%); highest among the groups gnomAD compares: South Asian, 0.0011%; no homozygotes.

Submission:

Labcorp Genetics (formerly Invitae), Labcorp
Classification: Uncertain significance. Last evaluated: 2022-02-09. Review status: criteria provided, single submitter. Criteria: Invitae Variant Classification Sherloc (09022015). Collection method: clinical testing. Allele origin: germline.
Comment: This variant has not been reported in the literature in individuals affected with ADAMTS18-related conditions. In summary, the available evidence is currently insufficient to determine the role of this variant in disease. Therefore, it has been classified as a Variant of Uncertain Significance. Algorithms developed to predict the effect of missense changes on protein structure and function are either unavailable or do not agree on the potential impact of this missense change (SIFT: "Not Available"; PolyPhen-2: "Benign"; Align-GVGD: "Not Available"). This variant is present in population databases (no rsID available, gnomAD 0.003%). This sequence change replaces methionine, which is neutral and non-polar, with valine, which is neutral and non-polar, at codon 570 of the ADAMTS18 protein (p.Met570Val).